The following is an entry in ClinVar:

ClinVar aggregate classification (germline): Pathogenic (1 of 4 stars; one submission).

Submission:

Labcorp Genetics (formerly Invitae), Labcorp
Classification: Pathogenic. Last evaluated: 2020-02-24. Review status: criteria provided, single submitter. Criteria: Invitae Variant Classification Sherloc (09022015). Collection method: clinical testing. Allele origin: germline.
Comment: This sequence change creates a premature translational stop signal (p.Glu223Argfs*4) in the GNPTG gene. It is expected to result in an absent or disrupted protein product. For these reasons, this variant has been classified as Pathogenic. Loss-of-function variants in GNPTG are known to be pathogenic (PMID: 19370764, 20301784). This variant has not been reported in the literature in individuals with GNPTG-related conditions. This variant is not present in population databases (ExAC no frequency).

Literature cited by the submitters: PubMed 19370764; PubMed 20301784.

NM_032520.5(GNPTG):c.665dup (p.Glu223fs)

Gene: GNPTG (N-acetylglucosamine-1-phosphate transferase subunit gamma; plus strand). Cytogenetic location: 16p13.3.
Variant type: Duplication.
Coding change: c.665dup on transcript NM_032520.5 (MANE Select); coding-DNA position 665, one base duplicated (C; older notation c.665dupC).
Protein change: p.Glu223fs; shifts the reading frame from glutamic acid 223.
Molecular consequence: frameshift variant.
Genome position (GRCh38, 1-based): chr16:1,362,666, C duplicated; the last of 4 consecutive C bases (chr16:1,362,663-1,362,666); duplicating any one gives the same sequence. VCF-style (leftmost placement, unchanged base first): chr16-1362662-A-AC. GRCh37 (hg19) VCF-style: chr16-1412663-A-AC.
Other names: short protein forms E223fs.
Identifiers: ClinVar variation 1072159 (VCV001072159.7), dbSNP rs2141864091, ClinGen allele CA2499223220.